The following is an entry in ClinVar:

ClinVar aggregate classification (germline): Uncertain significance (1 of 4 stars; one submission).

Allele frequency attached by ClinVar (database versions not stated): TOPMed below 0.00001.
gnomAD v4.1: 4 of 1,613,818 alleles (0.00025%); highest among the groups gnomAD compares: East Asian, 0.0045%; no homozygotes.

Submission:

Labcorp Genetics (formerly Invitae), Labcorp
Classification: Uncertain significance. Last evaluated: 2022-03-29. Review status: criteria provided, single submitter. Criteria: Invitae Variant Classification Sherloc (09022015). Collection method: clinical testing. Allele origin: germline.
Comment: Algorithms developed to predict the effect of sequence changes on RNA splicing suggest that this variant may create or strengthen a splice site. In summary, the available evidence is currently insufficient to determine the role of this variant in disease. Therefore, it has been classified as a Variant of Uncertain Significance. This variant has not been reported in the literature in individuals affected with TSPAN12-related conditions. This variant is present in population databases (no rsID available, gnomAD 0.003%). This sequence change affects codon 94 of the TSPAN12 mRNA. It is a 'silent' change, meaning that it does not change the encoded amino acid sequence of the TSPAN12 protein.

NM_012338.4(TSPAN12):c.282A>G (p.Ala94=)

Gene: TSPAN12 (tetraspanin 12; minus strand). Cytogenetic location: 7q31.31.
Variant type: single nucleotide variant.
Coding change: c.282A>G on transcript NM_012338.4 (MANE Select); coding-DNA position 282, A replaced by G.
Protein change: p.Ala94=; no amino-acid change (alanine 94 retained).
Molecular consequence: synonymous variant.
Genome position (GRCh38, 1-based): chr7:120,838,780, T>C on the plus strand (A>G on the coding strand, the complement: TSPAN12 is on the minus strand). VCF-style: chr7-120838780-T-C. GRCh37 (hg19) VCF-style: chr7-120478834-T-C.
Identifiers: ClinVar variation 1961622 (VCV001961622.5), dbSNP rs1384658779, ClinGen allele CA457397249.